The following is an entry in ClinVar:

NM_004260.4(RECQL4):c.3163del (p.Leu1055fs)

Gene: RECQL4 (RecQ like helicase 4; minus strand). Cytogenetic location: 8q24.3.
Variant type: Deletion.
Coding change: c.3163del on transcript NM_004260.4 (MANE Select); coding-DNA position 3163, one base deleted (C; older notation c.3163delC).
Protein change: p.Leu1055fs; shifts the reading frame from leucine 1055.
Molecular consequence: frameshift variant.
Genome position (GRCh38, 1-based): chr8:144,512,217, G deleted on the plus strand (C on the coding strand, the reverse complement: RECQL4 is on the minus strand); the first of 2 consecutive G bases (chr8:144,512,217-144,512,218); deleting either gives the same sequence. VCF-style (leftmost placement, unchanged base first): chr8-144512216-AG-A. GRCh37 (hg19) VCF-style: chr8-145737599-AG-A.
Other names: short protein forms L1055fs.
Identifiers: ClinVar variation 1071000 (VCV001071000.5), dbSNP rs1827372162, ClinGen allele CA1826365719.

ClinVar aggregate classification (germline): Pathogenic (1 of 4 stars; one submission).

Conditions:
Baller-Gerold syndrome (BGS). Also called: CRANIOSYNOSTOSIS WITH RADIAL DEFECTS. Identifiers: Orphanet 1225, MedGen C0265308, MONDO:0009039, OMIM 218600.

Submission:

Labcorp Genetics (formerly Invitae), Labcorp
Classification: Pathogenic for Baller-Gerold syndrome. Last evaluated: 2020-10-28. Review status: criteria provided, single submitter. Criteria: Invitae Variant Classification Sherloc (09022015). Collection method: clinical testing. Allele origin: germline.
Comment: For these reasons, this variant has been classified as Pathogenic. This variant has not been reported in the literature in individuals with RECQL4-related conditions. This variant is not present in population databases (ExAC no frequency). This sequence change creates a premature translational stop signal (p.Leu1055Serfs*26) in the RECQL4 gene. It is expected to result in an absent or disrupted protein product. Loss-of-function variants in RECQL4 are known to be pathogenic (PMID: 12734318, 12952869).

Literature cited by the submitters: PubMed 12734318; PubMed 12952869.